The following is an entry in ClinVar:

ClinVar aggregate classification (germline): Benign. Review status: criteria provided, multiple submitters, no conflicts (2 of 4 stars). 4 submissions from 4 submitters: Benign (4). Last evaluated 2026-02-01.

Conditions:
Tumoral calcinosis, hyperphosphatemic, familial, 3. Identifiers: MedGen C4693864, MONDO:0060715, OMIM 617994.

Allele frequency attached by ClinVar (database versions not stated): 1000 Genomes Project 30x 0.00422; 1000 Genomes Project 0.00439; TOPMed 0.00848; ExAC 0.01189; ESP Exome Variant Server 0.01199; gnomAD 0.01214 and 0.01262; gnomAD exomes 0.01314 and 0.01648.

Submissions (4):

Labcorp Genetics (formerly Invitae), Labcorp
Classification: Benign. Last evaluated: 2026-02-01. Review status: criteria provided, single submitter. Criteria: Invitae Variant Classification Sherloc (09022015). Collection method: clinical testing. Allele origin: germline.

Mayo Clinic Laboratories, Mayo Clinic
Classification: Benign. Last evaluated: 2022-09-21. Review status: criteria provided, single submitter. Criteria: ACMG Guidelines, 2015. Collection method: clinical testing. Allele origin: germline. Observed: 4 variant alleles.

Illumina Laboratory Services, Illumina
Classification: Benign for Tumoral calcinosis, hyperphosphatemic, familial, 3. Last evaluated: 2018-01-12. Review status: criteria provided, single submitter. Criteria: ICSL Variant Classification Criteria 13 December 2019. Collection method: clinical testing. Allele origin: germline.
Comment: This variant was observed in the ICSL laboratory as part of a predisposition screen in an ostensibly healthy population. It had not been previously curated by ICSL or reported in the Human Gene Mutation Database (HGMD: prior to June 1st, 2018), and was therefore a candidate for classification through an automated scoring system. Utilizing variant allele frequency, disease prevalence and penetrance estimates, and inheritance mode, an automated score was calculated to assess if this variant is too frequent to cause the disease. Based on the score and internal cut-off values, a variant classified as benign is not then subjected to further curation. The score for this variant resulted in a classification of benign for this disease.

Breakthrough Genomics
Classification: Benign. Review status: criteria provided, single submitter. Criteria: ACMG Guidelines, 2015. Collection method: not provided. Allele origin: germline. Inheritance: Autosomal recessive inheritance. Affected: yes.

NM_004795.4(KL):c.1407T>C (p.Gly469=)

Gene: KL (klotho; plus strand). Cytogenetic location: 13q13.1.
Variant type: single nucleotide variant.
Coding change: c.1407T>C on transcript NM_004795.4 (MANE Select); coding-DNA position 1407, T replaced by C.
Protein change: p.Gly469=; no amino-acid change (glycine 469 retained).
Molecular consequence: synonymous variant.
Genome position (GRCh38, 1-based): chr13:33,055,123, T>C. VCF-style: chr13-33055123-T-C. GRCh37 (hg19) VCF-style: chr13-33629260-T-C.
Other names: p.Gly469=.
Identifiers: ClinVar variation 311694 (VCV000311694.14), dbSNP rs138916294, ClinGen allele CA6944101.
Genomic context (GRCh38, chr13:33,055,123, plus strand): 5'-GGTGGATGTCATCGGGTATACCGCATGGTCCCTCATGGATGGTTTCGAGTGGCACAGAGG[T>C]TACAGCATCAGGCGTGGACTCTTCTATGTTGACTTTCTAAGCCAGGACAAGATGTTGTTG-3'
Protein context (NP_004786.2, residues 459-479): SLMDGFEWHR[Gly469=]YSIRRGLFYV